The following is an entry in ClinVar:

NM_000169.3(GLA):c.1037del (p.Gly346fs)

Genes: GLA (galactosidase alpha; minus strand), RPL36A-HNRNPH2 (RPL36A-HNRNPH2 readthrough; plus strand). Cytogenetic location: Xq22.1.
Variant type: Deletion.
Coding change: c.1037del on transcript NM_000169.3 (MANE Select); coding-DNA position 1037, one base deleted (G; older notation c.1037delG).
Protein change: p.Gly346fs; shifts the reading frame from glycine 346.
Molecular consequence: frameshift variant. On other transcripts: non-coding transcript variant (3), intron variant (2).
Genome position (GRCh38, 1-based): chrX:101,398,062, C deleted on the plus strand (G on the coding strand, the reverse complement: GLA is on the minus strand); the first of 2 consecutive C bases (chrX:101,398,062-101,398,063); deleting either gives the same sequence. VCF-style (leftmost placement, unchanged base first): chrX-101398061-GC-G. GRCh37 (hg19) VCF-style: chrX-100653049-GC-G.
Other names: c.1160del, p.Gly387fs (NM_001406747.1); c.300+2606del (NM_001199973.2); c.177+6241del (NM_001199974.2); c.1037delG (NM_000169.2); short protein forms G346fs, G387fs.
Identifiers: ClinVar variation 245896 (VCV000245896.4), dbSNP rs879253990, ClinGen allele CA10584627.

ClinVar aggregate classification (germline): Pathogenic. Review status: criteria provided, multiple submitters, no conflicts (2 of 4 stars). 3 submissions from 3 submitters: Pathogenic (3). Last evaluated 2026-09-08.

Conditions:
Fabry disease. Also called: Fabry's disease; ALPHA-GALACTOSIDASE A DEFICIENCY; GLA DEFICIENCY; HEREDITARY DYSTOPIC LIPIDOSIS; Angiokeratoma corporis diffusum; Ceramide trihexosidosis. Identifiers: Orphanet 324, MedGen C0002986, MONDO:0010526, OMIM 301500, HP:0001071. Disease mechanism: loss of function, Fabry disease is due to inactivating mutations in the X-linked GLA gene resulting in deficiency of the enzyme Alpha Galactosidase-A..

Submissions (3):

Genomenon, Inc
Classification: Pathogenic for Fabry disease. Last evaluated: 2026-09-08. Review status: criteria provided, single submitter. Criteria: Genomenon Sequence Variant Interpretation Standards - Updated. Collection method: curation. Allele origin: germline. Affected: yes.
Comment: GLA p.Gly346AlafsTer2 (c.1037del) is a frameshift variant that is predicted to introduce a premature termination codon and result in a truncated or absent protein product. This variant has been observed in at least one proband with clinical features consistent with Fabry disease (PMID:20122163;12938095). Functional or patient cell studies have been reported (PMID:20122163;12938095). It is absent or not present at a significant frequency in gnomAD. In conclusion, we classify GLA p.Gly346AlafsTer2 (c.1037del) as a pathogenic variant.

Serv. Biochemistry and Molecular genetics, Hospital Clinic de Barcelona, Hospital Clínic de Barcelona
Classification: Pathogenic for Fabry disease. Last evaluated: 2026-05-21. Review status: criteria provided, single submitter. Criteria: ACMG Guidelines, 2015. Collection method: clinical testing. Allele origin: germline. Inheritance: X-linked inheritance. Affected: yes. Observed: 1 variant allele.
Comment: Classification reported in the manuscript using ACMG criteria/in silico tools: Pathogenic. Variant type: Deletion; amino acid change: p.Gly346AlafsTer2. Criteria: PVS1, PM2, PS4,

GeneDx
Classification: Pathogenic. Last evaluated: 2015-08-13. Review status: criteria provided, single submitter. Criteria: GeneDx Variant Classification (06012015). Collection method: clinical testing. Allele origin: germline. Affected: yes.
Comment: The c.1037delG variant in the GLA gene has been reported previously in association with Fabry disease (Gaspar et al., 2010; RodrÃ­guez-MarÃ­ et al., 2003). The deletion causes a frameshift starting with codon Glycine 346 changes this amino acid to an Alanine residue and creates a premature Stop codon at position 2 of the new reading frame, denoted p.Gly346AlafsX2. This variant is predicted to cause loss of normal protein function through protein truncation. Approximately 60-70% of females with a single GLA variant have some disease manifestations, and 10% of these individuals present with a disease severity that is similar to that of affected males (Bennett et al., 2002)

Literature cited by the submitters: PubMed 20122163 (cited by Genomenon, Inc and Serv. Biochemistry and Molecular genetics, Hospital Clinic de Barcelona, Hospital Clínic de Barcelona); PubMed 12938095 (cited by Genomenon, Inc and Serv. Biochemistry and Molecular genetics, Hospital Clinic de Barcelona, Hospital Clínic de Barcelona).